The following is an entry in ClinVar:

ClinVar aggregate classification (germline): Conflicting classifications of pathogenicity. Review status: criteria provided, conflicting classifications (1 of 4 stars). 13 submissions from 13 submitters: Uncertain significance (10); Likely benign (2). 1 of the submissions does not count toward it. Last evaluated 2026-03-01.

Conditions:
Hereditary cancer-predisposing syndrome. Also called: Neoplastic Syndromes, Hereditary; Tumor predisposition; Hereditary Cancer Syndrome; Hereditary neoplastic syndrome. Identifiers: Orphanet 140162, MedGen C0027672, MeSH D009386, MONDO:0015356.
Hereditary breast ovarian cancer syndrome. Also called: Hereditary breast and ovarian cancer; Breast and ovarian cancer; Hereditary breast and/or ovarian cancer syndrome; Hereditary breast and ovarian cancer syndrome (HBOC); Hereditary breast and ovarian cancer syndrome; BRCA1- and BRCA2-Associated Hereditary Breast and Ovarian Cancer. Identifiers: Orphanet 145, MedGen C0677776, MeSH D061325, MONDO:0003582. Disease mechanism: loss of function.
Breast-ovarian cancer, familial, susceptibility to, 2 (BROVCA2). Also called: BRCA2 Hereditary Breast and Ovarian Cancer. Identifiers: Orphanet 145, MedGen C2675520, MONDO:0012933, OMIM 612555. Disease mechanism: loss of function.

Allele frequency attached by ClinVar (database versions not stated): gnomAD exomes below 0.00001.
gnomAD v4.1: 1 of 1,606,734 alleles (0.000062%); highest among the groups gnomAD compares: Non-Finnish European, 0.000085%; no homozygotes.

Submissions 1 to 10 of 13:

CeGaT Center for Human Genetics Tuebingen
Classification: Uncertain significance. Last evaluated: 2026-03-01. Review status: criteria provided, single submitter. Criteria: CeGaT Center For Human Genetics Tuebingen Variant Classification Criteria Version 2. Collection method: clinical testing. Allele origin: germline. Affected: yes. Observed: 1 variant allele.
Comment: BRCA2: PM2, BP1, BP4

Labcorp Genetics (formerly Invitae), Labcorp
Classification: Uncertain significance for Hereditary breast ovarian cancer syndrome. Last evaluated: 2025-12-18. Review status: criteria provided, single submitter. Criteria: Invitae Variant Classification Sherloc (09022015). Collection method: clinical testing. Allele origin: germline.
Comment: This sequence change replaces isoleucine, which is neutral and non-polar, with valine, which is neutral and non-polar, at codon 1859 of the BRCA2 protein (p.Ile1859Val). This variant is not present in population databases (gnomAD no frequency). This variant has not been reported in the literature in individuals affected with BRCA2-related conditions. ClinVar contains an entry for this variant (Variation ID: 37974). Invitae Evidence Modeling of protein sequence and biophysical properties (such as structural, functional, and spatial information, amino acid conservation, physicochemical variation, residue mobility, and thermodynamic stability) indicates that this missense variant is not expected to disrupt BRCA2 protein function with a negative predictive value of 95%. In summary, the available evidence is currently insufficient to determine the role of this variant in disease. Therefore, it has been classified as a Variant of Uncertain Significance.

Color Diagnostics, LLC DBA Color Health
Classification: Uncertain significance for Hereditary cancer-predisposing syndrome. Last evaluated: 2025-07-30. Review status: criteria provided, single submitter. Criteria: ACMG Guidelines, 2015. Collection method: clinical testing. Allele origin: germline.
Comment: This missense variant replaces isoleucine with valine at codon 1859 of the BRCA2 protein. Computational prediction suggests that this variant may not impact protein structure and function. To our knowledge, functional studies have not been reported for this variant. This variant has been detected in a breast cancer case-control meta-analysis in 0/60466 cases and 1/53461 unaffected individuals (PMID: 33471991Leiden Open Variation Database DB-ID BRCA2_008352).\\ Multifactorial analysis has reached a combined likelihood ratio (LR) of 0.788 based on reported LR for co-occurrence with a pathogenic variant and personal and family history for 2 carriers (PMID: 31131967, 31853058). This variant also has been detected in 1 individual older than age 70 years who has never had cancer (FLOSSIES database). This variant has not been identified in the general population by the Genome Aggregation Database (gnomAD). The available evidence is insufficient to determine the role of this variant in disease conclusively. Therefore, this variant is classified as a Variant of Uncertain Significance.

Ambry Genetics
Classification: Uncertain significance for Hereditary cancer-predisposing syndrome. Last evaluated: 2025-03-17. Review status: criteria provided, single submitter. Criteria: Ambry Variant Classification Scheme 2023. Collection method: clinical testing. Allele origin: germline.
Comment: The p.I1859V variant (also known as c.5575A>G), located in coding exon 10 of the BRCA2 gene, results from an A to G substitution at nucleotide position 5575. The isoleucine at codon 1859 is replaced by valine, an amino acid with highly similar properties. This amino acid position is poorly conserved in available vertebrate species. In addition, this alteration is predicted to be tolerated by in silico analysis. Based on the available evidence, the clinical significance of this variant remains unclear.

Quest Diagnostics Nichols Institute San Juan Capistrano
Classification: Uncertain significance. Last evaluated: 2024-08-22. Review status: criteria provided, single submitter. Criteria: Quest Diagnostics criteria. Collection method: clinical testing. Allele origin: unknown.
Comment: The BRCA2 c.5575A>G (p.Ile1859Val) variant has been reported in the published literature to be located in a region of the BRCA2 gene that is tolerant to missense changes (PMID: 31911673 (2020)). In a large-scale breast cancer association study, the variant was observed in a reportedly healthy individual (PMID: 33471991 (2021), see also LOVD). This variant has not been reported in large, multi-ethnic general populations (Genome Aggregation Database). Analysis of this variant using bioinformatics tools for the prediction of the effect of amino acid changes on protein structure and function yielded predictions that this variant is benign. Based on the available information, we are unable to determine the clinical significance of this variant.

Molecular Pathology, Peter Maccallum Cancer Centre
Classification: Likely benign for Breast-ovarian cancer, familial, susceptibility to, 2. Last evaluated: 2024-06-06. Review status: criteria provided, single submitter. Criteria: ACMG Guidelines, 2015. Collection method: clinical testing. Allele origin: germline. Inheritance: Autosomal dominant inheritance.

All of Us Research Program, National Institutes of Health
Classification: Uncertain significance for Breast-ovarian cancer, familial, susceptibility to, 2. Last evaluated: 2023-09-17. Review status: criteria provided, single submitter. Criteria: ACMG Guidelines, 2015. Collection method: clinical testing. Allele origin: germline. Inheritance: Autosomal dominant inheritance. Observed: 2 variant alleles, 2 heterozygotes.
Comment: This missense variant replaces isoleucine with valine at codon 1859 of the BRCA2 protein. Computational prediction suggests that this variant may not impact protein structure and function (internally defined REVEL score threshold <= 0.5, PMID: 27666373). To our knowledge, functional studies have not been reported for this variant. This variant has not been reported in individuals affected with BRCA2-related disorders in the literature, but has been observed in an unaffected individual (PMID: 33471991; Leiden Open Variation Database DB-ID BRCA2_008352). This variant has not been identified in the general population by the Genome Aggregation Database (gnomAD). The available evidence is insufficient to determine the role of this variant in disease conclusively. Therefore, this variant is classified as a Variant of Uncertain Significance.

This study involves interpretation of variants in research participants for the purpose of population health screening. Participant phenotype was not available at the time of variant classification. Additional details can be found in publication PMID: 35346344, PMCID: PMC8962531

University of Washington Department of Laboratory Medicine, University of Washington
Classification: Likely benign for Hereditary cancer-predisposing syndrome. Last evaluated: 2023-03-23. Review status: criteria provided, single submitter. Criteria: Dines et al. (Genet Med. 2020). Collection method: curation. Allele origin: germline.
Comment: Missense variant in a coldspot region where missense variants are very unlikely to be pathogenic (PMID:31911673).

BRCA2 exon 11 coldspot. Reclassification based on statistical prior probability.

St. Jude Molecular Pathology, St. Jude Children's Research Hospital
Classification: Uncertain significance for Breast-ovarian cancer, familial, susceptibility to, 2. Last evaluated: 2022-06-08. Review status: criteria provided, single submitter. Criteria: St. Jude Assertion Criteria 2020. Collection method: clinical testing. Allele origin: germline.
Comment: The BRCA2 c.5575A>G (p.Ile1859Val) missense change is absent in gnomAD v2.1.1. This variant was detected in 2 of 138,342 individuals who underwent multi-gene panel testing including BRCA1 and BRCA2 and did not have a pathogenic or likely pathogenic variant in another gene related to hereditary breast cancer (PMID: 31853058), as well as in one woman older than 70 years of age who has never had cancer (FLOSSIES). The in silico tool REVEL predicts a benign effect on protein function, but to our knowledge this prediction has not been confirmed by functional studies. In summary, the evidence currently available is insufficient to determine the role of this variant in hereditary breast and ovarian cancer syndrome and/or Fanconi anemia. It has therefore been classified as of uncertain significance.

Division of Medical Genetics, University of Washington
Classification: Uncertain significance for Breast-ovarian cancer, familial, susceptibility to, 2. Last evaluated: 2020-01-22. Review status: criteria provided, single submitter. Criteria: ACMG Guidelines, 2015. Collection method: clinical testing. Allele origin: germline. Affected: no. Study: CSER_CHARM.
Comment: To our knowledge, this sequence variant has not been previously reported in the literature. This variant is not present in population databases. In silico analyses indicate that this variant does not alter protein structure/function. Thus, it is unknown at this time whether this variant increases cancer risk. PM2; BP4

NM_000059.4(BRCA2):c.5575A>G (p.Ile1859Val)

Gene: BRCA2 (BRCA2 DNA repair associated; plus strand). Cytogenetic location: 13q13.1.
Variant type: single nucleotide variant.
Coding change: c.5575A>G on transcript NM_000059.4 (MANE Select); coding-DNA position 5575, A replaced by G.
Protein change: p.Ile1859Val; replaces isoleucine 1859 with valine.
Molecular consequence: missense variant.
Genome position (GRCh38, 1-based): chr13:32,339,930, A>G. VCF-style: chr13-32339930-A-G. GRCh37 (hg19) VCF-style: chr13-32914067-A-G.
Other names: 5803A>G; short protein forms I1859V.
Identifiers: ClinVar variation 37974 (VCV000037974.37), dbSNP rs397507354, ClinGen allele CA022595.
Genomic context (GRCh38, chr13:32,339,930, plus strand): 5'-GTAGGGCCACCTGCATTTAGGATAGCCAGTGGTAAAATCGTTTGTGTTTCACATGAAACA[A>G]TTAAAAAAGTGAAAGACATATTTACAGACAGTTTCAGTAAAGTAATTAAGGAAAACAACG-3'
Protein context (NP_000050.3, residues 1849-1869): GKIVCVSHET[Ile1859Val]KKVKDIFTDS